The following is an entry in ClinVar:

ClinVar aggregate classification (germline): Conflicting classifications of pathogenicity. Review status: criteria provided, conflicting classifications (1 of 4 stars). 3 submissions from 1 submitter: Uncertain significance (1); Benign (2). Last evaluated 2018-01-13.

Conditions:
Oculodentodigital dysplasia (ODDD). Also called: ODD SYNDROME; Oculodentodigital syndrome. Identifiers: Orphanet 2710, MedGen C0812437, MONDO:0008111, OMIM 164200.
Hypoplastic left heart syndrome 1 (HLHS1). Identifiers: Orphanet 2248, MedGen C4551854, MONDO:0009433, OMIM 241550.
Syndactyly type 3 (SDTY3). Also called: RING AND LITTLE FINGER SYNDACTYLY; SYNDACTYLY OF FINGERS IV AND V. Identifiers: Orphanet 93404, MedGen C1861366, MONDO:0008514, OMIM 186100.

Allele frequency attached by ClinVar (database versions not stated): gnomAD 0.00007 and 0.00058; TOPMed 0.00010; 1000 Genomes Project 0.00419; 1000 Genomes Project 30x 0.00422.

Submissions (3):

Illumina Laboratory Services, Illumina
Classification: Benign for Oculodentodigital dysplasia. Last evaluated: 2018-01-13. Review status: criteria provided, single submitter. Criteria: ICSL Variant Classification Criteria 13 December 2019. Collection method: clinical testing. Allele origin: germline.
Comment: This variant was observed in the ICSL laboratory as part of a predisposition screen in an ostensibly healthy population. It had not been previously curated by ICSL or reported in the Human Gene Mutation Database (HGMD: prior to June 1st, 2018), and was therefore a candidate for classification through an automated scoring system. Utilizing variant allele frequency, disease prevalence and penetrance estimates, and inheritance mode, an automated score was calculated to assess if this variant is too frequent to cause the disease. Based on the score and internal cut-off values, a variant classified as benign is not then subjected to further curation. The score for this variant resulted in a classification of benign for this disease.

Illumina Laboratory Services, Illumina
Classification: Uncertain significance for Hypoplastic left heart syndrome 1. Last evaluated: 2018-01-13. Review status: criteria provided, single submitter. Criteria: ICSL Variant Classification Criteria 13 December 2019. Collection method: clinical testing. Allele origin: germline.

Illumina Laboratory Services, Illumina
Classification: Benign for Syndactyly type 3. Last evaluated: 2018-01-13. Review status: criteria provided, single submitter. Criteria: ICSL Variant Classification Criteria 13 December 2019. Collection method: clinical testing. Allele origin: germline.
Comment: the same text as in the submission from Illumina Laboratory Services, Illumina above.

NM_000165.5(GJA1):c.-135C>T

Gene: GJA1 (gap junction protein alpha 1; plus strand). Cytogenetic location: 6q22.31.
Variant type: single nucleotide variant.
Coding change: c.-135C>T on transcript NM_000165.5 (MANE Select); 135 bases upstream of the start codon, C replaced by T.
Molecular consequence: 5 prime UTR variant.
Genome position (GRCh38, 1-based): chr6:121,435,714, C>T. VCF-style: chr6-121435714-C-T. GRCh37 (hg19) VCF-style: chr6-121756860-C-T.
Identifiers: ClinVar variation 355156 (VCV000355156.5), dbSNP rs539558089, ClinGen allele CA10621311.